The following is an entry in ClinVar:

ClinVar aggregate classification (germline): Uncertain significance (1 of 4 stars; one submission).

Conditions:
Catecholaminergic polymorphic ventricular tachycardia 1. Also called: VENTRICULAR TACHYCARDIA, STRESS-INDUCED POLYMORPHIC 1; VENTRICULAR TACHYCARDIA, CATECHOLAMINERGIC POLYMORPHIC, 1, WITH OR WITHOUT ATRIAL DYSFUNCTION AND/OR DILATED CARDIOMYOPATHY; RYR2-Related Catecholaminergic Polymorphic Ventricular Tachycardia. Identifiers: Orphanet 3286, MedGen C1631597, MONDO:0011484, OMIM 604772.

Submission:

Labcorp Genetics (formerly Invitae), Labcorp
Classification: Uncertain significance for Catecholaminergic polymorphic ventricular tachycardia 1. Last evaluated: 2020-09-20. Review status: criteria provided, single submitter. Criteria: Invitae Variant Classification Sherloc (09022015). Collection method: clinical testing. Allele origin: germline.
Comment: Advanced modeling of protein sequence and biophysical properties (such as structural, functional, and spatial information, amino acid conservation, physicochemical variation, residue mobility, and thermodynamic stability) performed at Invitae indicates that this missense variant is expected to disrupt RYR2 protein function. In summary, the available evidence is currently insufficient to determine the role of this variant in disease. Therefore, it has been classified as a Variant of Uncertain Significance. This variant has not been reported in the literature in individuals with RYR2-related conditions. This variant is not present in population databases (ExAC no frequency). This sequence change replaces glycine with alanine at codon 4134 of the RYR2 protein (p.Gly4134Ala). The glycine residue is highly conserved and there is a small physicochemical difference between glycine and alanine.

NM_001035.3(RYR2):c.12401G>C (p.Gly4134Ala)

Genes: RYR2 (ryanodine receptor 2; plus strand), LOC126806068 (BRD4-independent group 4 enhancer GRCh37_chr1:237947411-237948610; plus strand). Cytogenetic location: 1q43.
Variant type: single nucleotide variant.
Coding change: c.12401G>C on transcript NM_001035.3 (MANE Select); coding-DNA position 12401, G replaced by C.
Protein change: p.Gly4134Ala; replaces glycine 4134 with alanine.
Molecular consequence: missense variant.
Genome position (GRCh38, 1-based): chr1:237,784,113, G>C. VCF-style: chr1-237784113-G-C. GRCh37 (hg19) VCF-style: chr1-237947413-G-C.
Other names: short protein forms G4134A.
Identifiers: ClinVar variation 1016052 (VCV001016052.10), dbSNP rs1573934290, ClinGen allele CA345413139.